The following is an entry in ClinVar:

NM_001101362.3(KBTBD13):c.823G>C (p.Val275Leu)

Gene: KBTBD13 (kelch repeat and BTB domain containing 13; plus strand). Cytogenetic location: 15q22.31.
Variant type: single nucleotide variant.
Coding change: c.823G>C on transcript NM_001101362.3 (MANE Select); coding-DNA position 823, G replaced by C.
Protein change: p.Val275Leu; replaces valine 275 with leucine.
Molecular consequence: missense variant.
Genome position (GRCh38, 1-based): chr15:65,077,638, G>C. VCF-style: chr15-65077638-G-C. GRCh37 (hg19) VCF-style: chr15-65369976-G-C.
Other names: short protein forms V275L.
Identifiers: ClinVar variation 565452 (VCV000565452.8), dbSNP rs1566960251, ClinGen allele CA392863718.

ClinVar aggregate classification (germline): Uncertain significance (1 of 4 stars; one submission).

Conditions:
Nemaline myopathy 6 (NEM6). Also called: Nemaline myopathy 6, autosomal dominant. Identifiers: Orphanet 171439, MedGen C1836472, MONDO:0012237, OMIM 609273.

Submission:

Labcorp Genetics (formerly Invitae), Labcorp
Classification: Uncertain significance for Nemaline myopathy 6. Last evaluated: 2022-11-14. Review status: criteria provided, single submitter. Criteria: Invitae Variant Classification Sherloc (09022015). Collection method: clinical testing. Allele origin: germline.
Comment: This sequence change replaces valine, which is neutral and non-polar, with leucine, which is neutral and non-polar, at codon 275 of the KBTBD13 protein (p.Val275Leu). This variant is not present in population databases (gnomAD no frequency). This variant has not been reported in the literature in individuals affected with KBTBD13-related conditions. ClinVar contains an entry for this variant (Variation ID: 565452). Advanced modeling of protein sequence and biophysical properties (such as structural, functional, and spatial information, amino acid conservation, physicochemical variation, residue mobility, and thermodynamic stability) performed at Invitae indicates that this missense variant is not expected to disrupt KBTBD13 protein function. In summary, the available evidence is currently insufficient to determine the role of this variant in disease. Therefore, it has been classified as a Variant of Uncertain Significance.